The following is an entry in ClinVar:

NM_025207.5(FLAD1):c.1551G>A (p.Leu517=)

Gene: FLAD1 (flavin adenine dinucleotide synthetase 1; plus strand). Cytogenetic location: 1q21.3.
Variant type: single nucleotide variant.
Coding change: c.1551G>A on transcript NM_025207.5 (MANE Select); coding-DNA position 1551, G replaced by A.
Protein change: p.Leu517=; no amino-acid change (leucine 517 retained).
Molecular consequence: synonymous variant.
Genome position (GRCh38, 1-based): chr1:154,990,525, G>A. VCF-style: chr1-154990525-G-A. GRCh37 (hg19) VCF-style: chr1-154963001-G-A.
Other names: c.1260G>A, p.Leu420= (NM_001184891.2, NM_201398.3).
Identifiers: ClinVar variation 2973386 (VCV002973386.11), dbSNP rs200493231, ClinGen allele CA30907591.

ClinVar aggregate classification (germline): Likely benign. Review status: criteria provided, multiple submitters, no conflicts (2 of 4 stars). 2 submissions from 2 submitters: Likely benign (2). Last evaluated 2025-07-01.

Allele frequency attached by ClinVar (database versions not stated): gnomAD exomes 0.00002; TOPMed 0.00002.
gnomAD v4.1: 34 of 1,597,498 alleles (0.0021%); highest among the groups gnomAD compares: Non-Finnish European, 0.0025%; no homozygotes.

Submissions (2):

CeGaT Center for Human Genetics Tuebingen
Classification: Likely benign. Last evaluated: 2025-07-01. Review status: criteria provided, single submitter. Criteria: CeGaT Center For Human Genetics Tuebingen Variant Classification Criteria Version 2. Collection method: clinical testing. Allele origin: germline. Affected: yes. Observed: 1 variant allele.
Comment: FLAD1: BP4, BP7

Labcorp Genetics (formerly Invitae), Labcorp
Classification: Likely benign. Last evaluated: 2025-06-22. Review status: criteria provided, single submitter. Criteria: Invitae Variant Classification Sherloc (09022015). Collection method: clinical testing. Allele origin: germline.